The following is an entry in ClinVar:

NM_001200.4(BMP2):c.960T>G (p.Tyr320Ter)

Gene: BMP2 (bone morphogenetic protein 2; plus strand). Cytogenetic location: 20p12.3.
Variant type: single nucleotide variant.
Coding change: c.960T>G on transcript NM_001200.4 (MANE Select); coding-DNA position 960, T replaced by G.
Protein change: p.Tyr320Ter; replaces tyrosine 320 with a stop codon.
Molecular consequence: nonsense.
Genome position (GRCh38, 1-based): chr20:6,778,858, T>G. VCF-style: chr20-6778858-T-G. GRCh37 (hg19) VCF-style: chr20-6759505-T-G.
Other names: short protein forms Y320*.
Identifiers: ClinVar variation 4880216 (VCV004880216.1).

ClinVar aggregate classification (germline): Likely pathogenic (1 of 4 stars; one submission).

Conditions:
Inborn genetic diseases. Identifiers: MedGen C0950123, MeSH D030342.

Submission:

Wales Gene Park, Division Of Cancer and Genetics, Cardiff University
Classification: Likely pathogenic for Inborn genetic diseases. Last evaluated: 2026-04-28. Review status: criteria provided, single submitter. Criteria: ACGS Best Practice Guidelines for Variant Classification in Rare Disease 2024. Collection method: research. Allele origin: maternal. Inheritance: Autosomal dominant inheritance. Affected: yes. Study: 100,000 Genomes Project (Wales).
Comment: Inherited BMP2 nonsense variant detected by genome sequencing. Not present in gnomAD (v4.1.1). Evidence codes: PVS1_strong, PM2, PP1.